The following is an entry in ClinVar:

NM_033004.4(NLRP1):c.1172C>G (p.Thr391Ser)

Gene: NLRP1 (NLR family pyrin domain containing 1; minus strand). Cytogenetic location: 17p13.2.
Variant type: single nucleotide variant.
Coding change: c.1172C>G on transcript NM_033004.4 (MANE Select); coding-DNA position 1172, C replaced by G.
Protein change: p.Thr391Ser; replaces threonine 391 with serine.
Molecular consequence: missense variant.
Genome position (GRCh38, 1-based): chr17:5,559,524, G>C on the plus strand (C>G on the coding strand, the complement: NLRP1 is on the minus strand). VCF-style: chr17-5559524-G-C. GRCh37 (hg19) VCF-style: chr17-5462844-G-C.
Other names: c.1172C>G, p.Thr391Ser (NM_001033053.3, NM_014922.5, NM_033006.4 and 1 more transcripts); short protein forms T391S.
Identifiers: ClinVar variation 4764236 (VCV004764236.1).

ClinVar aggregate classification (germline): Uncertain significance (1 of 4 stars; one submission).

gnomAD v4.1: 4 of 1,614,046 alleles (0.00025%); highest among the groups gnomAD compares: African/African-American, 0.0027%; no homozygotes.

Submission:

Labcorp Genetics (formerly Invitae), Labcorp
Classification: Uncertain significance. Last evaluated: 2025-07-29. Review status: criteria provided, single submitter. Criteria: Invitae Variant Classification Sherloc (09022015). Collection method: clinical testing. Allele origin: germline.
Comment: This sequence change replaces threonine, which is neutral and polar, with serine, which is neutral and polar, at codon 391 of the NLRP1 protein (p.Thr391Ser). This variant is present in population databases (rs764693405, gnomAD 0.008%). This variant has not been reported in the literature in individuals affected with NLRP1-related conditions. An algorithm developed to predict the effect of missense changes on protein structure and function outputs the following: PolyPhen-2: "Benign". The serine amino acid residue is found in multiple mammalian species, which suggests that this missense change does not adversely affect protein function. In summary, the available evidence is currently insufficient to determine the role of this variant in disease. Therefore, it has been classified as a Variant of Uncertain Significance.